The following is an entry in ClinVar:

NC_000002.11:g.(?_166894266)_(166894662_?)del

Gene: SCN1A (sodium voltage-gated channel alpha subunit 1; minus strand). Cytogenetic location: 2q24.3.
Variant type: Deletion.
Identifiers: ClinVar variation 2423907 (VCV002423907.4).

ClinVar aggregate classification (germline): Pathogenic (1 of 4 stars; one submission).

Conditions:
Developmental and epileptic encephalopathy. Identifiers: MedGen C5779964, MONDO:0100620.

Submission:

Labcorp Genetics (formerly Invitae), Labcorp
Classification: Pathogenic for Early-infantile DEE. Last evaluated: 2022-04-28. Review status: criteria provided, single submitter. Criteria: Invitae Variant Classification Sherloc (09022015). Collection method: clinical testing. Allele origin: germline.
Comment: This variant is a gross deletion of the genomic region encompassing exon(s) 15 of the SCN1A gene. This variant would be expected to be in-frame, preserving the integrity of the reading frame. This variant has not been reported in the literature in individuals affected with SCN1A-related conditions. This variant disrupts a region of the SCN1A protein in which other variant(s) (p.Asn980Lys) have been determined to be pathogenic (Invitae). This suggests that this is a clinically significant region of the protein, and that variants that disrupt it are likely to be disease-causing. For these reasons, this variant has been classified as Pathogenic.